The following is an entry in ClinVar:

ClinVar aggregate classification (germline): Benign/Likely benign. Review status: criteria provided, multiple submitters, no conflicts (2 of 4 stars). 3 submissions from 3 submitters: Benign (1); Likely benign (2). Last evaluated 2026-07-07.

Conditions:
Retinoblastoma (RB1). Also called: RETINOBLASTOMA, SOMATIC. Identifiers: Orphanet 790, MedGen C0035335, MeSH D012175, MONDO:0008380, OMIM 180200, HP:0009919. Disease mechanism: loss of function. Inheritance: Both sporadic and heritable forms are tested..
Hereditary cancer-predisposing syndrome. Also called: Tumor predisposition; Hereditary neoplastic syndrome; Hereditary Cancer Syndrome; Neoplastic Syndromes, Hereditary. Identifiers: Orphanet 140162, MedGen C0027672, MeSH D009386, MONDO:0015356.

Submissions (3):

Ambry Genetics
Classification: Likely benign for Hereditary cancer-predisposing syndrome. Last evaluated: 2026-07-07. Review status: criteria provided, single submitter. Criteria: Ambry Variant Classification Scheme 2023. Collection method: clinical testing. Allele origin: germline.

Myriad Genetics, Inc.
Classification: Benign for Retinoblastoma. Last evaluated: 2026-06-25. Review status: criteria provided, single submitter. Criteria: Myriad Autosomal Dominant, Autosomal Recessive and X-Linked Classification Criteria (2023). Collection method: clinical testing. Allele origin: unknown.
Comment: This variant is considered benign. This variant is a silent/synonymous amino acid change and it is not expected to impact splicing.

Labcorp Genetics (formerly Invitae), Labcorp
Classification: Likely benign for Retinoblastoma. Last evaluated: 2024-04-07. Review status: criteria provided, single submitter. Criteria: Invitae Variant Classification Sherloc (09022015). Collection method: clinical testing. Allele origin: germline.

NM_000321.3(RB1):c.2214A>G (p.Thr738=)

Gene: RB1 (RB transcriptional corepressor 1; plus strand). Cytogenetic location: 13q14.2.
Variant type: single nucleotide variant.
Coding change: c.2214A>G on transcript NM_000321.3 (MANE Select); coding-DNA position 2214, A replaced by G.
Protein change: p.Thr738=; no amino-acid change (threonine 738 retained).
Molecular consequence: synonymous variant.
Genome position (GRCh38, 1-based): chr13:48,465,000, A>G. VCF-style: chr13-48465000-A-G. GRCh37 (hg19) VCF-style: chr13-49039136-A-G.
Other names: c.2214A>G, p.Thr738= (NM_001407165.1).
Identifiers: ClinVar variation 3649050 (VCV003649050.4).